The following is an entry in ClinVar:

NM_033305.3(VPS13A):c.372A>C (p.Lys124Asn)

Gene: VPS13A (vacuolar protein sorting 13 homolog A; plus strand). Cytogenetic location: 9q21.2.
Variant type: single nucleotide variant.
Coding change: c.372A>C on transcript NM_033305.3 (MANE Select); coding-DNA position 372, A replaced by C.
Protein change: p.Lys124Asn; replaces lysine 124 with asparagine.
Molecular consequence: missense variant.
Genome position (GRCh38, 1-based): chr9:77,206,066, A>C. VCF-style: chr9-77206066-A-C. GRCh37 (hg19) VCF-style: chr9-79820982-A-C.
Other names: c.372A>C, p.Lys124Asn (NM_001018037.2, NM_001018038.3, NM_015186.4); short protein forms K124N.
Identifiers: ClinVar variation 4540119 (VCV004540119.2).

ClinVar aggregate classification (germline): Conflicting classifications of pathogenicity. Review status: criteria provided, conflicting classifications (1 of 4 stars). 2 submissions from 2 submitters: Uncertain significance (1); Likely benign (1). Last evaluated 2025-06-20.

gnomAD v4.1: 7 of 1,574,690 alleles (0.00044%); highest among the groups gnomAD compares: Admixed American, 0.0091%; no homozygotes.

Submissions (2):

GeneDx
Classification: Uncertain significance. Last evaluated: 2025-06-20. Review status: criteria provided, single submitter. Criteria: GeneDx Variant Classification Process June 2021. Collection method: clinical testing. Allele origin: germline. Affected: yes.
Comment: Not observed at significant frequency in large population cohorts (gnomAD); In silico analysis supports that this missense variant has a deleterious effect on protein structure/function; Has not been previously published as pathogenic or benign to our knowledge

Blueprint Genetics
Classification: Likely benign. Last evaluated: 2024-11-08. Review status: criteria provided, single submitter. Criteria: ACMG Guidelines, 2015. Collection method: clinical testing. Allele origin: germline.